The following is an entry in ClinVar:

ClinVar aggregate classification (germline): Pathogenic/Likely pathogenic. Review status: criteria provided, multiple submitters, no conflicts (2 of 4 stars). 3 submissions from 3 submitters: Pathogenic (1); Likely pathogenic (1). 1 of the submissions does not count toward it. Last evaluated 2025-08-07.

Conditions:
METHEMOGLOBINEMIA, BETA TYPE. Also called: Methemoglobinemia, beta-globin type. Identifiers: MedGen C1840779, OMIM 617971.
beta Thalassemia (BTHAL). Also called: Cooley's anemia; Erythroblastic anemia; Mediterranean anemia. Identifiers: Orphanet 848, MedGen C0005283, MONDO:0019402. Disease mechanism: loss of function.
HEMOGLOBIN HANA.

Submissions (3):

Natera, Inc.
Classification: Likely pathogenic for Beta thalassemia. Last evaluated: 2025-08-07. Review status: criteria provided, single submitter. Criteria: Natera Variant Classification Schema (03/2026). Collection method: clinical testing. Allele origin: germline.
Comment: The c.190C>A variant in HBB is a missense variant predicted to cause substitution of histidine to asparagine at amino acid 64. This variant is rare in the general population with a frequency below the threshold expected for the associated phenotype(s). This variant is located in a functionally critical region of the protein (PMID: 36410789). A different variant at the same position has been determined to be Pathogenic or Likely Pathogenic. Computational prediction algorithms indicate this variant is likely to affect gene or protein function. Given the available evidence, this variant is classified as Likely Pathogenic.

Neuberg Centre For Genomic Medicine, NCGM
Classification: Pathogenic for METHEMOGLOBINEMIA, BETA TYPE. Last evaluated: 2023-06-22. Review status: criteria provided, single submitter. Criteria: ACMG Guidelines, 2015. Collection method: clinical testing. Allele origin: germline. Inheritance: Autosomal dominant inheritance. Affected: yes.
Comment: The missense c.190C>A (p.His64Asn) variant in the HBB gene has been reported previously in a heterozygous state in individuals affected with Methaemoglobinaemia. Different amino acid change (p.His64Tyr, p.His64Arg) is reported as a known pathogenic variant (Göttgens et al., 2021). This variant has been reported to the ClinVar database as Pathogenic. This variant is reported is absent in the gnomAD Exomes. The amino acid His at position 64 is changed to a Asn changing protein sequence and it might alter its composition and physico-chemical properties. Multiple lines of computational evidence (Polyphen - Damaging, SIFT - Damaging and MutationTaster - Disease causing) predict a damaging effect on protein structure and function for this variant. The amino acid change p.His64Asn in HBB is predicted as conserved by GERP++ and PhyloP across 100 vertebrates. For these reasons, this variant has been classified as Pathogenic.

OMIM
Classification: Pathogenic for HEMOGLOBIN HANA. Last evaluated: 2019-11-14. Review status: no assertion criteria provided. Collection method: literature only. Allele origin: germline. Not counted in ClinVar's aggregate classification.

Literature cited by the submitters: PubMed 36410789 (cited by Natera, Inc.); PubMed 20692194 (cited by OMIM).

NM_000518.5(HBB):c.190C>A (p.His64Asn)

Genes: HBB (hemoglobin subunit beta; minus strand), LOC106099062 (HBB recombination region; plus strand), LOC107133510 (origin of replication at HBB; plus strand). Cytogenetic location: 11p15.4.
Variant type: single nucleotide variant.
Coding change: c.190C>A on transcript NM_000518.5 (MANE Select); coding-DNA position 190, C replaced by A.
Protein change: p.His64Asn; replaces histidine 64 with asparagine.
Molecular consequence: missense variant.
Genome position (GRCh38, 1-based): chr11:5,226,702, G>T on the plus strand (C>A on the coding strand, the complement: HBB is on the minus strand). VCF-style: chr11-5226702-G-T. GRCh37 (hg19) VCF-style: chr11-5247932-G-T.
Other names: H63N; Hb Haná; short protein forms H64N.
Identifiers: ClinVar variation 694445 (VCV000694445.2), dbSNP rs33922873, ClinGen allele CA217114143.